The following is an entry in ClinVar:

ClinVar aggregate classification (germline): Uncertain significance (1 of 4 stars; one submission).

Submission:

GeneDx
Classification: Uncertain significance. Last evaluated: 2017-04-19. Review status: criteria provided, single submitter. Criteria: GeneDx Variant Classification (06012015). Collection method: clinical testing. Allele origin: germline. Affected: yes.
Comment: The T234I variant in the FHL2 gene has not been reported previously as a pathogenic variant, nor as a benign variant, to our knowledge. The T234I variant is not observed in large population cohorts (Lek et al., 2016; 1000 Genomes Consortium et al., 2015; Exome Variant Server). The T234I variant is a non-conservative amino acid substitution, which is likely to impact secondary protein structure as these residues differ in polarity, charge, size and/or other properties. This substitution occurs at a position that is conserved across species and in silico analysis predicts this variant is probably damaging to the protein structure/function. We interpret T234I as a variant of uncertain significance.

NM_001318895.3(FHL2):c.701C>T (p.Thr234Ile)

Genes: C2orf49 (chromosome 2 open reading frame 49; plus strand), FHL2 (four and a half LIM domains 2; minus strand). Cytogenetic location: 2q12.2.
Variant type: single nucleotide variant.
Coding change: c.701C>T on transcript NM_001318895.3 (MANE Select); coding-DNA position 701, C replaced by T.
Protein change: p.Thr234Ile; replaces threonine 234 with isoleucine.
Molecular consequence: missense variant.
Genome position (GRCh38, 1-based): chr2:105,361,422, G>A on the plus strand (C>T on the coding strand, the complement: FHL2 is on the minus strand). VCF-style: chr2-105361422-G-A. GRCh37 (hg19) VCF-style: chr2-105977879-G-A.
Other names: c.701C>T, p.Thr234Ile (NM_001039492.3, NM_001318894.1, NM_001318896.2 and 4 more transcripts); c.359C>T, p.Thr120Ile (NM_001318897.2, NM_001318898.2); c.377C>T, p.Thr126Ile (NM_001318899.2); short protein forms T234I, T126I, T120I.
Identifiers: ClinVar variation 426351 (VCV000426351.2), dbSNP rs1085307583, ClinGen allele CA347995559.